The following is an entry in ClinVar:

NM_001267550.2(TTN):c.55154A>G (p.Gln18385Arg)

Genes: TTN (titin; minus strand), TTN-AS1 (TTN antisense RNA 1; plus strand). Cytogenetic location: 2q31.2.
Variant type: single nucleotide variant.
Coding change: c.55154A>G on transcript NM_001267550.2 (MANE Select); coding-DNA position 55154, A replaced by G.
Protein change: p.Gln18385Arg; replaces glutamine 18385 with arginine.
Molecular consequence: missense variant.
Genome position (GRCh38, 1-based): chr2:178,602,117, T>C on the plus strand (A>G on the coding strand, the complement: TTN is on the minus strand). VCF-style: chr2-178602117-T-C. GRCh37 (hg19) VCF-style: chr2-179466844-T-C.
Other names: c.50231A>G, p.Gln16744Arg (NM_001256850.1); c.27959A>G, p.Gln9320Arg (NM_003319.4); c.47450A>G, p.Gln15817Arg (NM_133378.4); c.28334A>G, p.Gln9445Arg (NM_133432.3); c.28535A>G, p.Gln9512Arg (NM_133437.4); short protein forms Q9320R, Q9445R, Q9512R, Q15817R, Q16744R, Q18385R.
Identifiers: ClinVar variation 1028573 (VCV001028573.1), dbSNP rs2053613633, ClinGen allele CA349544195.

ClinVar aggregate classification (germline): Uncertain significance (1 of 4 stars; one submission).

Conditions:
Hypertrophic cardiomyopathy 9. Also called: Familial hypertrophic cardiomyopathy 9. Identifiers: MedGen C1861065, MONDO:0013412, OMIM 613765.

Submission:

Baylor Genetics
Classification: Uncertain significance for Hypertrophic cardiomyopathy 9. Last evaluated: 2019-07-10. Review status: criteria provided, single submitter. Criteria: ACMG Guidelines, 2015. Collection method: clinical testing. Allele origin: unknown. Affected: yes.
Comment: This variant was determined to be of uncertain significance according to ACMG Guidelines, 2015 [PMID:25741868].